The following is an entry in ClinVar:

ClinVar aggregate classification (germline): Uncertain significance. Review status: criteria provided, multiple submitters, no conflicts (2 of 4 stars). 3 submissions from 3 submitters: Uncertain significance (3). Last evaluated 2023-12-05.

Conditions:
Fanconi anemia complementation group J. Also called: BRIP1-Related Fanconi Anemia. Identifiers: Orphanet 84, MedGen C1836860, MONDO:0012187, OMIM 609054.
Familial cancer of breast. Also called: BREAST CANCER, FAMILIAL; hereditary breast carcinoma; Hereditary breast cancer. Identifiers: Orphanet 227535, MedGen C0346153, MONDO:0016419, OMIM 114480. Disease mechanism: loss of function.
Hereditary cancer-predisposing syndrome. Also called: Tumor predisposition; Neoplastic Syndromes, Hereditary; Hereditary Cancer Syndrome; Hereditary neoplastic syndrome. Identifiers: Orphanet 140162, MedGen C0027672, MeSH D009386, MONDO:0015356.

gnomAD v4.1: 1 of 1,614,138 alleles (0.000062%); highest among the groups gnomAD compares: Non-Finnish European, 0.000085%; no homozygotes.

Submissions (3):

Color Diagnostics, LLC DBA Color Health
Classification: Uncertain significance for Hereditary cancer-predisposing syndrome. Last evaluated: 2023-12-05. Review status: criteria provided, single submitter. Criteria: ACMG Guidelines, 2015. Collection method: clinical testing. Allele origin: germline.
Comment: This missense variant replaces glutamic acid with aspartic acid at codon 1104 of the BRIP1 protein. Computational prediction suggests that this variant may not impact protein structure and function (internally defined REVEL score threshold <= 0.5, PMID: 27666373). To our knowledge, functional studies have not been reported for this variant. This variant has not been reported in individuals affected with BRIP1-related disorders in the literature. This variant has not been identified in the general population by the Genome Aggregation Database (gnomAD). The available evidence is insufficient to determine the role of this variant in disease conclusively. Therefore, this variant is classified as a Variant of Uncertain Significance.

Labcorp Genetics (formerly Invitae), Labcorp
Classification: Uncertain significance for Familial cancer of breast; Fanconi anemia complementation group J. Last evaluated: 2023-12-05. Review status: criteria provided, single submitter. Criteria: Invitae Variant Classification Sherloc (09022015). Collection method: clinical testing. Allele origin: germline.
Comment: This sequence change replaces glutamic acid, which is acidic and polar, with aspartic acid, which is acidic and polar, at codon 1104 of the BRIP1 protein (p.Glu1104Asp). This variant is not present in population databases (gnomAD no frequency). This variant has not been reported in the literature in individuals affected with BRIP1-related conditions. ClinVar contains an entry for this variant (Variation ID: 491467). Algorithms developed to predict the effect of missense changes on protein structure and function output the following: SIFT: "Not Available"; PolyPhen-2: "Benign"; Align-GVGD: "Not Available". The aspartic acid amino acid residue is found in multiple mammalian species, which suggests that this missense change does not adversely affect protein function. In summary, the available evidence is currently insufficient to determine the role of this variant in disease. Therefore, it has been classified as a Variant of Uncertain Significance.

Ambry Genetics
Classification: Uncertain significance for Hereditary cancer-predisposing syndrome. Last evaluated: 2023-10-06. Review status: criteria provided, single submitter. Criteria: Ambry Variant Classification Scheme 2023. Collection method: clinical testing. Allele origin: germline.
Comment: The p.E1104D variant (also known as c.3312A>T), located in coding exon 19 of the BRIP1 gene, results from an A to T substitution at nucleotide position 3312. The glutamic acid at codon 1104 is replaced by aspartic acid, an amino acid with highly similar properties. This amino acid position is not well conserved in available vertebrate species. In addition, this alteration is predicted to be tolerated by in silico analysis. Since supporting evidence is limited at this time, the clinical significance of this alteration remains unclear.

NM_032043.3(BRIP1):c.3312A>T (p.Glu1104Asp)

Gene: BRIP1 (BRCA1 interacting DNA helicase 1; minus strand). Cytogenetic location: 17q23.2.
Variant type: single nucleotide variant.
Coding change: c.3312A>T on transcript NM_032043.3 (MANE Select); coding-DNA position 3312, A replaced by T.
Protein change: p.Glu1104Asp; replaces glutamic acid 1104 with aspartic acid.
Molecular consequence: missense variant.
Genome position (GRCh38, 1-based): chr17:61,683,734, T>A on the plus strand (A>T on the coding strand, the complement: BRIP1 is on the minus strand). VCF-style: chr17-61683734-T-A. GRCh37 (hg19) VCF-style: chr17-59761095-T-A.
Other names: short protein forms E1104D.
Identifiers: ClinVar variation 491467 (VCV000491467.19), dbSNP rs1555572697, ClinGen allele CA400479003.
Genomic context (GRCh38, chr17:61,683,734, plus strand): 5'-TTCTGTTTCAAAATCTCTATTTGAAGTGGACTGTTTATCTTCTTCACTTACTAGAGACAA[T>A]TCAATGTCTGGATCCAGGGCTTCTTCAGAACAGAGCGGATGTTCAGAATGATTTTTTCTA-3'
Protein context (NP_114432.2, residues 1094-1114): CSEEALDPDI[Glu1104Asp]LSLVSEEDKQ